The following is an entry in ClinVar:

NM_015512.5(DNAH1):c.4060C>T (p.Arg1354Cys)

Gene: DNAH1 (dynein axonemal heavy chain 1; plus strand). Cytogenetic location: 3p21.1.
Variant type: single nucleotide variant.
Coding change: c.4060C>T on transcript NM_015512.5 (MANE Select); coding-DNA position 4060, C replaced by T.
Protein change: p.Arg1354Cys; replaces arginine 1354 with cysteine.
Molecular consequence: missense variant.
Genome position (GRCh38, 1-based): chr3:52,357,977, C>T. VCF-style: chr3-52357977-C-T. GRCh37 (hg19) VCF-style: chr3-52391993-C-T.
Other names: short protein forms R1354C.
Identifiers: ClinVar variation 2924071 (VCV002924071.3), dbSNP rs201085669, ClinGen allele CA2433788.

ClinVar aggregate classification (germline): Uncertain significance (1 of 4 stars; one submission).

Conditions:
Ciliary dyskinesia, primary, 37 (CILD37). Also called: CILIARY DYSKINESIA, PRIMARY, 37, WITH OR WITHOUT SITUS INVERSUS. Identifiers: MedGen C4539798, MONDO:0033204, OMIM 617577.
Spermatogenic failure 18. Identifiers: MedGen C4539783, MONDO:0054615, OMIM 617576.

Allele frequency attached by ClinVar (database versions not stated): gnomAD exomes 0.00002; ExAC 0.00006; gnomAD 0.00011; TOPMed 0.00012; ESP Exome Variant Server 0.00016.
gnomAD v4.1: 39 of 1,611,988 alleles (0.0024%); highest among the groups gnomAD compares: African/African-American, 0.045%; no homozygotes.

Submission:

Labcorp Genetics (formerly Invitae), Labcorp
Classification: Uncertain significance for Ciliary dyskinesia, primary, 37; Spermatogenic failure 18. Last evaluated: 2024-01-04. Review status: criteria provided, single submitter. Criteria: Invitae Variant Classification Sherloc (09022015). Collection method: clinical testing. Allele origin: germline.
Comment: This sequence change replaces arginine, which is basic and polar, with cysteine, which is neutral and slightly polar, at codon 1354 of the DNAH1 protein (p.Arg1354Cys). This variant is present in population databases (rs201085669, gnomAD 0.05%). This variant has not been reported in the literature in individuals affected with DNAH1-related conditions. Advanced modeling of protein sequence and biophysical properties (such as structural, functional, and spatial information, amino acid conservation, physicochemical variation, residue mobility, and thermodynamic stability) performed at Invitae indicates that this missense variant is not expected to disrupt DNAH1 protein function with a negative predictive value of 80%. In summary, the available evidence is currently insufficient to determine the role of this variant in disease. Therefore, it has been classified as a Variant of Uncertain Significance.